The following is an entry in ClinVar:

NM_031418.4(ANO3):c.2359A>G (p.Ile787Val)

Gene: ANO3 (anoctamin 3; plus strand). Cytogenetic location: 11p14.2.
Variant type: single nucleotide variant.
Coding change: c.2359A>G on transcript NM_031418.4 (MANE Select); coding-DNA position 2359, A replaced by G.
Protein change: p.Ile787Val; replaces isoleucine 787 with valine.
Molecular consequence: missense variant.
Genome position (GRCh38, 1-based): chr11:26,643,265, A>G. VCF-style: chr11-26643265-A-G. GRCh37 (hg19) VCF-style: chr11-26664812-A-G.
Other names: c.2542A>G, p.Ile848Val (NM_001313726.2); c.1921A>G, p.Ile641Val (NM_001313727.2); short protein forms I787V, I848V, I641V.
Identifiers: ClinVar variation 3666389 (VCV003666389.2).

ClinVar aggregate classification (germline): Uncertain significance (1 of 4 stars; one submission).

Conditions:
Dystonic disorder. Also called: Dystonia. Identifiers: MedGen C0013421, MONDO:0003441, HP:0001332.

gnomAD v4.1: 8 of 1,614,206 alleles (0.0005%); highest among the groups gnomAD compares: Admixed American, 0.0067%; no homozygotes.

Submission:

Labcorp Genetics (formerly Invitae), Labcorp
Classification: Uncertain significance for Dystonic disorder. Last evaluated: 2024-05-20. Review status: criteria provided, single submitter. Criteria: Invitae Variant Classification Sherloc (09022015). Collection method: clinical testing. Allele origin: germline.
Comment: This sequence change replaces isoleucine, which is neutral and non-polar, with valine, which is neutral and non-polar, at codon 787 of the ANO3 protein (p.Ile787Val). This variant is present in population databases (rs139297286, gnomAD 0.006%). This variant has not been reported in the literature in individuals affected with ANO3-related conditions. Advanced modeling of protein sequence and biophysical properties (such as structural, functional, and spatial information, amino acid conservation, physicochemical variation, residue mobility, and thermodynamic stability) performed at Invitae indicates that this missense variant is not expected to disrupt ANO3 protein function with a negative predictive value of 80%. In summary, the available evidence is currently insufficient to determine the role of this variant in disease. Therefore, it has been classified as a Variant of Uncertain Significance.